The following is an entry in ClinVar:

ClinVar aggregate classification (germline): Benign/Likely benign. Review status: criteria provided, multiple submitters, no conflicts (2 of 4 stars). 8 submissions from 8 submitters: Benign (4); Likely benign (3). 1 of the submissions does not count toward it. Last evaluated 2026-02-04.

Conditions:
MHC class I deficiency. Identifiers: Orphanet 34592, MedGen C6024714, MONDO:0011476.
PEPTIDE TRANSPORTER PSF1 POLYMORPHISM.

Allele frequency attached by ClinVar (database versions not stated): gnomAD exomes 0.17333 and 0.20015; TOPMed 0.19974; gnomAD 0.20047 and 0.20195; ExAC 0.20466; 1000 Genomes Project 30x 0.22767; 1000 Genomes Project 0.22823.
gnomAD v4.1: 284,331 of 1,612,592 alleles (18%); highest among the groups gnomAD compares: South Asian, 28%; 26,484 homozygotes.

Submissions (8):

Labcorp Genetics (formerly Invitae), Labcorp
Classification: Benign for MHC class I deficiency 1. Last evaluated: 2026-02-04. Review status: criteria provided, single submitter. Criteria: Invitae Variant Classification Sherloc (09022015). Collection method: clinical testing. Allele origin: germline.

Women's Health and Genetics/Laboratory Corporation of America, LabCorp
Classification: Likely benign. Last evaluated: 2026-01-21. Review status: criteria provided, single submitter. Criteria: LabCorp Variant Classification Summary - May 2015. Collection method: clinical testing. Allele origin: germline.

Blueprint Genetics
Classification: Likely benign. Last evaluated: 2024-11-26. Review status: criteria provided, single submitter. Criteria: ACMG Guidelines, 2015. Collection method: clinical testing. Allele origin: germline.

Fulgent Genetics
Classification: Likely benign for MHC class I deficiency 1. Last evaluated: 2022-01-18. Review status: criteria provided, single submitter. Criteria: ACMG Guidelines, 2015. Collection method: clinical testing. Allele origin: unknown.

Genome-Nilou Lab
Classification: Benign for MHC class I deficiency 1. Last evaluated: 2021-07-15. Review status: criteria provided, single submitter. Criteria: ACMG Guidelines, 2015. Collection method: clinical testing. Allele origin: germline. Affected: no.

Mayo Clinic Laboratories, Mayo Clinic
Classification: Benign. Last evaluated: 2018-06-29. Review status: criteria provided, single submitter. Criteria: ACMG Guidelines, 2015. Collection method: clinical testing. Allele origin: germline. Observed: 37 variant alleles.

Laboratory for Molecular Medicine, Mass General Brigham Personalized Medicine
Classification: Benign. Last evaluated: 2016-03-28. Review status: criteria provided, single submitter. Criteria: LMM Criteria. Collection method: clinical testing. Allele origin: germline.
Comment: Variant identified in a genome or exome case(s) and assessed due to predicted null impact of the variant or pathogenic assertions in the literature or databases. Disclaimer: This variant has not undergone full assessment. The following are preliminary notes: Frequency

OMIM
Classification: Benign for PEPTIDE TRANSPORTER PSF1 POLYMORPHISM. Last evaluated: 1992-05-01. Review status: no assertion criteria provided. Collection method: literature only. Allele origin: germline. Not counted in ClinVar's aggregate classification.

Literature cited by the submitters: PubMed 1570316 (cited by OMIM).

NM_000593.6(TAP1):c.997A>G (p.Ile333Val)

Gene: TAP1 (transporter 1, ATP binding cassette subfamily B member; minus strand). Cytogenetic location: 6p21.32.
Variant type: single nucleotide variant.
Coding change: c.997A>G on transcript NM_000593.6 (MANE Select); coding-DNA position 997, A replaced by G.
Protein change: p.Ile333Val; replaces isoleucine 333 with valine.
Molecular consequence: missense variant.
Genome position (GRCh38, 1-based): chr6:32,850,997, T>C on the plus strand (A>G on the coding strand, the complement: TAP1 is on the minus strand). VCF-style: chr6-32850997-T-C. GRCh37 (hg19) VCF-style: chr6-32818774-T-C.
Other names: I333V; c.394A>G, p.Ile132Val (NM_001292022.2); short protein forms I393V, I132V.
Identifiers: ClinVar variation 13729 (VCV000013729.19), dbSNP rs1057141, ClinGen allele CA123403.